The following is an entry in ClinVar:

NM_022455.5(NSD1):c.1509delinsGA (p.Asp504fs)

Gene: NSD1 (nuclear receptor binding SET domain protein 1; plus strand). Cytogenetic location: 5q35.3.
Variant type: Indel.
Coding change: c.1509delinsGA on transcript NM_022455.5 (MANE Select); coding-DNA position 1509, T replaced by GA.
Protein change: p.Asp504fs; shifts the reading frame from aspartic acid 504.
Molecular consequence: frameshift variant.
Genome position (GRCh38, 1-based): chr5:177,209,908, T replaced by GA. VCF-style: chr5-177209908-T-GA. GRCh37 (hg19) VCF-style: chr5-176636909-T-GA.
Other names: c.636delTinsGA, p.Asp213Argfs (NM_001365684.2, NM_001409306.1, NM_001409307.1 and 3 more transcripts); c.1509delTinsGA, p.Asp504Argfs (NM_001409301.1, NM_001409302.1, NM_001409303.1); c.1089delTinsGA, p.Asp364Argfs (NM_001409304.1); c.756delTinsGA, p.Asp253Argfs (NM_001409305.1); short protein forms D235fs, D504fs.
Identifiers: ClinVar variation 565855 (VCV000565855.3), dbSNP rs1562205351, ClinGen allele CA891843151.

ClinVar aggregate classification (germline): Pathogenic (1 of 4 stars; one submission).

Submission:

Labcorp Genetics (formerly Invitae), Labcorp
Classification: Pathogenic. Last evaluated: 2018-06-09. Review status: criteria provided, single submitter. Criteria: Invitae Variant Classification Sherloc (09022015). Collection method: clinical testing. Allele origin: germline.
Comment: This variant is not present in population databases (ExAC no frequency). This sequence change creates a premature translational stop signal (p.Asp504Argfs*2) in the NSD1 gene. It is expected to result in an absent or disrupted protein product. For these reasons, this variant has been classified as Pathogenic. Loss-of-function variants in NSD1 are known to be pathogenic (PMID: 12464997, 14571271, 15942875, 16247291).

Literature cited by the submitters: PubMed 12464997; PubMed 14571271; PubMed 15942875; PubMed 16247291.